The following is an entry in ClinVar:

ClinVar aggregate classification (germline): Benign (1 of 4 stars; one submission).

Conditions:
Pulmonary hypertension, primary, 1 (PPH1). Also called: Pulmonary hypertension, familial primary, 1, with or without HHT. Identifiers: Orphanet 422, MedGen C4552070, MONDO:0024533, OMIM 178600.

Allele frequency attached by ClinVar (database versions not stated): gnomAD 0.00007 and 0.00013; 1000 Genomes Project 0.00060; TOPMed 0.00010; 1000 Genomes Project 30x 0.00047.

Submission:

Illumina Laboratory Services, Illumina
Classification: Benign for Pulmonary hypertension, primary, 1. Last evaluated: 2018-01-13. Review status: criteria provided, single submitter. Criteria: ICSL Variant Classification Criteria 13 December 2019. Collection method: clinical testing. Allele origin: germline.
Comment: This variant was observed in the ICSL laboratory as part of a predisposition screen in an ostensibly healthy population. It had not been previously curated by ICSL or reported in the Human Gene Mutation Database (HGMD: prior to June 1st, 2018), and was therefore a candidate for classification through an automated scoring system. Utilizing variant allele frequency, disease prevalence and penetrance estimates, and inheritance mode, an automated score was calculated to assess if this variant is too frequent to cause the disease. Based on the score and internal cut-off values, a variant classified as benign is not then subjected to further curation. The score for this variant resulted in a classification of benign for this disease.

NM_001204.7(BMPR2):c.*995G>A

Gene: BMPR2 (bone morphogenetic protein receptor type 2; plus strand). Cytogenetic location: 2q33.2.
Variant type: single nucleotide variant.
Coding change: c.*995G>A on transcript NM_001204.7 (MANE Select); 995 bases downstream of the stop codon, G replaced by A.
Molecular consequence: 3 prime UTR variant.
Genome position (GRCh38, 1-based): chr2:202,560,941, G>A. VCF-style: chr2-202560941-G-A. GRCh37 (hg19) VCF-style: chr2-203425664-G-A.
Other names: c.*995G>A (LRG_712t1).
Identifiers: ClinVar variation 333666 (VCV000333666.5), dbSNP rs541375337, ClinGen allele CA10613604.